The following is an entry in ClinVar:

ClinVar aggregate classification (germline): Uncertain significance (1 of 4 stars; one submission).

Conditions:
ANGPT1-related disorder. Also called: ANGPT1-related condition.

Submission:

PreventionGenetics, part of Exact Sciences
Classification: Uncertain significance for ANGPT1-related condition. Last evaluated: 2026-01-04. Review status: criteria provided, single submitter. Criteria: ACMG Guidelines, 2015. Collection method: clinical testing. Allele origin: germline.
Comment: The ANGPT1 c.350A>G variant is predicted to result in the amino acid substitution p.Gln117Arg. To our knowledge, this variant has not been reported in the literature or in a large population database (gnomAD), indicating this variant is rare. At this time, the clinical significance of this variant is uncertain due to the absence of conclusive functional and genetic evidence.

NM_001146.5(ANGPT1):c.350A>G (p.Gln117Arg)

Gene: ANGPT1 (angiopoietin 1; minus strand). Cytogenetic location: 8q23.1.
Variant type: single nucleotide variant.
Coding change: c.350A>G on transcript NM_001146.5 (MANE Select); coding-DNA position 350, A replaced by G.
Protein change: p.Gln117Arg; replaces glutamine 117 with arginine.
Molecular consequence: missense variant.
Genome position (GRCh38, 1-based): chr8:107,347,045, T>C on the plus strand (A>G on the coding strand, the complement: ANGPT1 is on the minus strand). VCF-style: chr8-107347045-T-C. GRCh37 (hg19) VCF-style: chr8-108359273-T-C.
Other names: c.350A>G, p.Gln117Arg (NM_001199859.3); short protein forms Q117R.
Identifiers: ClinVar variation 4991050 (VCV004991050.1).